The following is an entry in ClinVar:

ClinVar aggregate classification (germline): Pathogenic (1 of 4 stars; one submission).

Submission:

Labcorp Genetics (formerly Invitae), Labcorp
Classification: Pathogenic. Last evaluated: 2022-02-04. Review status: criteria provided, single submitter. Criteria: Invitae Variant Classification Sherloc (09022015). Collection method: clinical testing. Allele origin: germline.
Comment: This variant is not present in population databases (gnomAD no frequency). For these reasons, this variant has been classified as Pathogenic. Algorithms developed to predict the effect of sequence changes on RNA splicing suggest that this variant may create or strengthen a splice site. This variant has not been reported in the literature in individuals affected with EYS-related conditions. This sequence change creates a premature translational stop signal (p.Gln238*) in the EYS gene. It is expected to result in an absent or disrupted protein product. Loss-of-function variants in EYS are known to be pathogenic (PMID: 18836446, 20333770).

Literature cited by the submitters: PubMed 18836446; PubMed 20333770.

NM_001142800.2(EYS):c.712C>T (p.Gln238Ter)

Gene: EYS (EGF-like photoreceptor maintenance factor; minus strand). Cytogenetic location: 6q12.
Variant type: single nucleotide variant.
Coding change: c.712C>T on transcript NM_001142800.2 (MANE Select); coding-DNA position 712, C replaced by T.
Protein change: p.Gln238Ter; replaces glutamine 238 with a stop codon.
Molecular consequence: nonsense.
Genome position (GRCh38, 1-based): chr6:65,494,699, G>A on the plus strand (C>T on the coding strand, the complement: EYS is on the minus strand). VCF-style: chr6-65494699-G-A. GRCh37 (hg19) VCF-style: chr6-66204592-G-A.
Other names: c.712C>T, p.Gln238Ter (NM_001142801.2, NM_001292009.2, NM_198283.2); short protein forms Q238*.
Identifiers: ClinVar variation 1389035 (VCV001389035.6), dbSNP rs1212010105, ClinGen allele CA364789300.